The following is an entry in ClinVar:

NM_001113378.2(FANCI):c.1749T>C (p.Phe583=)

Gene: FANCI (FA complementation group I; plus strand). Cytogenetic location: 15q26.1.
Variant type: single nucleotide variant.
Coding change: c.1749T>C on transcript NM_001113378.2 (MANE Select); coding-DNA position 1749, T replaced by C.
Protein change: p.Phe583=; no amino-acid change (phenylalanine 583 retained).
Molecular consequence: synonymous variant.
Genome position (GRCh38, 1-based): chr15:89,285,146, T>C. VCF-style: chr15-89285146-T-C. GRCh37 (hg19) VCF-style: chr15-89828377-T-C.
Other names: c.1470T>C, p.Phe490= (NM_001376910.1); c.1749T>C, p.Phe583= (NM_001376911.1, NM_018193.3).
Identifiers: ClinVar variation 695486 (VCV000695486.40), dbSNP rs201037656, ClinGen allele CA7723142.

ClinVar aggregate classification (germline): Conflicting classifications of pathogenicity. Review status: criteria provided, conflicting classifications (1 of 4 stars). 5 submissions from 5 submitters: Uncertain significance (1); Benign (1); Likely benign (3). Last evaluated 2026-08-01.

Conditions:
Fanconi anemia (FA). Also called: Fanconi's anemia. Identifiers: Orphanet 84, MedGen C0015625, MeSH D005199, MONDO:0019391.
Fanconi anemia complementation group I (FANCI). Also called: FANCI-Related Fanconi Anemia. Identifiers: Orphanet 84, MedGen C1836861, MONDO:0012186, OMIM 609053.

Allele frequency attached by ClinVar (database versions not stated): ESP Exome Variant Server 0.00008; ExAC 0.00017; 1000 Genomes Project 0.00020; gnomAD exomes 0.00020 and 0.00022; gnomAD 0.00021 and 0.00024; 1000 Genomes Project 30x 0.00031; TOPMed 0.00036.
gnomAD v4.1: 350 of 1,614,218 alleles (0.022%); highest among the groups gnomAD compares: Middle Eastern, 0.73%; no homozygotes.

Submissions (5):

CeGaT Center for Human Genetics Tuebingen
Classification: Likely benign. Last evaluated: 2026-08-01. Review status: criteria provided, single submitter. Criteria: CeGaT Center For Human Genetics Tuebingen Variant Classification Criteria Version 2. Collection method: clinical testing. Allele origin: germline. Affected: yes. Observed: 16 variant alleles.
Comment: FANCI: BP4, BP7

Labcorp Genetics (formerly Invitae), Labcorp
Classification: Benign for Fanconi anemia. Last evaluated: 2026-01-28. Review status: criteria provided, single submitter. Criteria: Invitae Variant Classification Sherloc (09022015). Collection method: clinical testing. Allele origin: germline.

Blueprint Genetics
Classification: Likely benign. Last evaluated: 2024-11-27. Review status: criteria provided, single submitter. Criteria: ACMG Guidelines, 2015. Collection method: clinical testing. Allele origin: germline.

Sema4
Classification: Likely benign for Fanconi anemia. Last evaluated: 2021-07-30. Review status: criteria provided, single submitter. Criteria: Sema4 Curation Guidelines. Collection method: curation. Allele origin: germline.

Illumina Laboratory Services, Illumina
Classification: Uncertain significance for Fanconi anemia complementation group I. Last evaluated: 2018-01-13. Review status: criteria provided, single submitter. Criteria: ICSL Variant Classification Criteria 13 December 2019. Collection method: clinical testing. Allele origin: germline.